The following is an entry in ClinVar:

NM_138425.4(C12orf57):c.87C>G (p.Ala29=)

Gene: C12orf57 (chromosome 12 open reading frame 57; plus strand). Cytogenetic location: 12p13.31.
Variant type: single nucleotide variant.
Coding change: c.87C>G on transcript NM_138425.4 (MANE Select); coding-DNA position 87, C replaced by G.
Protein change: p.Ala29=; no amino-acid change (alanine 29 retained).
Molecular consequence: synonymous variant. On other transcripts: 5 prime UTR variant (1), non-coding transcript variant (1).
Genome position (GRCh38, 1-based): chr12:6,944,510, C>G. VCF-style: chr12-6944510-C-G. GRCh37 (hg19) VCF-style: chr12-7053673-C-G.
Other names: c.87C>G, p.Ala29= (NM_001301834.1, NM_001301837.2); c.48C>G, p.Ala16= (NM_001301836.2); c.-19C>G (NM_001301838.2).
Identifiers: ClinVar variation 4873026 (VCV004873026.2).

ClinVar aggregate classification (germline): Likely benign (1 of 4 stars; one submission).

Submission:

CeGaT Center for Human Genetics Tuebingen
Classification: Likely benign. Last evaluated: 2026-04-01. Review status: criteria provided, single submitter. Criteria: CeGaT Center For Human Genetics Tuebingen Variant Classification Criteria Version 2. Collection method: clinical testing. Allele origin: germline. Affected: yes. Observed: 1 variant allele.
Comment: C12orf57: PM2:Supporting, BP4, BP7